The following is an entry in ClinVar:

ClinVar aggregate classification (germline): Uncertain significance (1 of 4 stars; one submission).

Submission:

Labcorp Genetics (formerly Invitae), Labcorp
Classification: Uncertain significance. Last evaluated: 2022-01-15. Review status: criteria provided, single submitter. Criteria: Invitae Variant Classification Sherloc (09022015). Collection method: clinical testing. Allele origin: germline.
Comment: Algorithms developed to predict the effect of missense changes on protein structure and function are either unavailable or do not agree on the potential impact of this missense change (SIFT: "Not Available"; PolyPhen-2: "Benign"; Align-GVGD: "Not Available"). In summary, the available evidence is currently insufficient to determine the role of this variant in disease. Therefore, it has been classified as a Variant of Uncertain Significance. This variant is not present in population databases (gnomAD no frequency). This sequence change replaces isoleucine, which is neutral and non-polar, with leucine, which is neutral and non-polar, at codon 833 of the TRAPPC9 protein (p.Ile833Leu). This variant has not been reported in the literature in individuals affected with TRAPPC9-related conditions.

NM_001160372.4(TRAPPC9):c.2203A>C (p.Ile735Leu)

Gene: TRAPPC9 (trafficking protein particle complex subunit 9; minus strand). Cytogenetic location: 8q24.3.
Variant type: single nucleotide variant.
Coding change: c.2203A>C on transcript NM_001160372.4 (MANE Select); coding-DNA position 2203, A replaced by C.
Protein change: p.Ile735Leu; replaces isoleucine 735 with leucine.
Molecular consequence: missense variant. On other transcripts: non-coding transcript variant (1).
Genome position (GRCh38, 1-based): chr8:140,275,733, T>G on the plus strand (A>C on the coding strand, the complement: TRAPPC9 is on the minus strand). VCF-style: chr8-140275733-T-G. GRCh37 (hg19) VCF-style: chr8-141285832-T-G.
Other names: c.2176A>C, p.Ile726Leu (NM_001321646.2); c.2224A>C, p.Ile742Leu (NM_001374682.1); c.2203A>C, p.Ile735Leu (NM_001374683.1, NM_031466.8); c.2059A>C, p.Ile687Leu (NM_001374684.1); short protein forms I735L, I687L, I726L, I742L.
Identifiers: ClinVar variation 2083107 (VCV002083107.4), dbSNP rs865939219, ClinGen allele CA372739229.